The following is an entry in ClinVar:

NM_017780.4(CHD7):c.1444G>A (p.Gly482Ser)

Gene: CHD7 (chromodomain helicase DNA binding protein 7; plus strand). Cytogenetic location: 8q12.2.
Variant type: single nucleotide variant.
Coding change: c.1444G>A on transcript NM_017780.4 (MANE Select); coding-DNA position 1444, G replaced by A.
Protein change: p.Gly482Ser; replaces glycine 482 with serine.
Molecular consequence: missense variant.
Genome position (GRCh38, 1-based): chr8:60,742,876, G>A. VCF-style: chr8-60742876-G-A. GRCh37 (hg19) VCF-style: chr8-61655435-G-A.
Other names: c.1444G>A, p.Gly482Ser (NM_001316690.1); short protein forms G482S.
Identifiers: ClinVar variation 2061357 (VCV002061357.4), dbSNP rs767518147, ClinGen allele CA371302991.

ClinVar aggregate classification (germline): Uncertain significance (1 of 4 stars; one submission).

Conditions:
CHARGE syndrome (CHARGE). Also called: Hittner Hirsch Kreh syndrome; CHARGE ASSOCIATION--COLOBOMA, HEART ANOMALY, CHOANAL ATRESIA, RETARDATION, GENITAL AND EAR ANOMALIES; Coloboma, heart anomaly, choanal atresia, retardation, genital and ear anomalies; CHARGE association; Hall-Hittner syndrome. Identifiers: Orphanet 138, MedGen C0265354, MONDO:0008965.

Allele frequency attached by ClinVar (database versions not stated): TOPMed below 0.00001.

Submission:

Labcorp Genetics (formerly Invitae), Labcorp
Classification: Uncertain significance for CHARGE syndrome. Last evaluated: 2024-10-02. Review status: criteria provided, single submitter. Criteria: Invitae Variant Classification Sherloc (09022015). Collection method: clinical testing. Allele origin: germline.
Comment: This sequence change replaces glycine, which is neutral and non-polar, with serine, which is neutral and polar, at codon 482 of the CHD7 protein (p.Gly482Ser). This variant is not present in population databases (gnomAD no frequency). This variant has not been reported in the literature in individuals affected with CHD7-related conditions. ClinVar contains an entry for this variant (Variation ID: 2061357). Invitae Evidence Modeling of protein sequence and biophysical properties (such as structural, functional, and spatial information, amino acid conservation, physicochemical variation, residue mobility, and thermodynamic stability) indicates that this missense variant is not expected to disrupt CHD7 protein function with a negative predictive value of 95%. In summary, the available evidence is currently insufficient to determine the role of this variant in disease. Therefore, it has been classified as a Variant of Uncertain Significance.